The following is an entry in ClinVar:

NM_002230.4(JUP):c.1654-3C>T

Gene: JUP (junction plakoglobin; minus strand). Cytogenetic location: 17q21.2.
Variant type: single nucleotide variant.
Coding change: c.1654-3C>T on transcript NM_002230.4 (MANE Select); 3 bases into the intron before coding-DNA position 1654, C replaced by T.
Molecular consequence: intron variant.
Genome position (GRCh38, 1-based): chr17:41,758,521, G>A on the plus strand (C>T on the coding strand, the complement: JUP is on the minus strand). VCF-style: chr17-41758521-G-A. GRCh37 (hg19) VCF-style: chr17-39914773-G-A.
Other names: c.1654-3C>T (NM_001352774.2, NM_021991.4, NM_001352776.2 and 3 more transcripts).
Identifiers: ClinVar variation 4858574 (VCV004858574.1).

ClinVar aggregate classification (germline): Uncertain significance (1 of 4 stars; one submission).

Conditions:
Cardiovascular phenotype. Identifiers: MedGen CN230736.

Submission:

Ambry Genetics
Classification: Uncertain significance for Cardiovascular phenotype. Last evaluated: 2026-05-01. Review status: criteria provided, single submitter. Criteria: Ambry Variant Classification Scheme 2023. Collection method: clinical testing. Allele origin: germline.
Comment: The c.1654-3C>T intronic variant results from a C to T substitution 3 nucleotides upstream from coding exon 9 in the JUP gene. This nucleotide position is well conserved in available vertebrate species. In silico splice site analysis predicts that this alteration will not have any significant effect on splicing. Based on the available evidence, the clinical significance of this variant remains unclear.